The following is an entry in ClinVar:

ClinVar aggregate classification (germline): Conflicting classifications of pathogenicity. Review status: criteria provided, conflicting classifications (1 of 4 stars). 3 submissions from 3 submitters: Likely pathogenic (1); Uncertain significance (2). Last evaluated 2025-09-02.

Conditions:
Niemann-Pick disease, type C1. Also called: NEUROVISCERAL STORAGE DISEASE WITH VERTICAL SUPRANUCLEAR OPHTHALMOPLEGIA; NIEMANN-PICK DISEASE WITH CHOLESTEROL ESTERIFICATION BLOCK; NIEMANN-PICK DISEASE WITHOUT SPHINGOMYELINASE DEFICIENCY; NIEMANN-PICK DISEASE, CHRONIC NEURONOPATHIC FORM; NIEMANN-PICK DISEASE, VARIANT TYPE C1. Identifiers: Orphanet 646, MedGen C3179455, MONDO:0009757, OMIM 257220.

Allele frequency attached by ClinVar (database versions not stated): TOPMed 0.00001.
gnomAD v4.1: 4 of 1,612,936 alleles (0.00025%); highest among the groups gnomAD compares: Non-Finnish European, 0.00025%; no homozygotes.

Submissions (3):

Myriad Genetics, Inc.
Classification: Uncertain significance for Niemann-Pick disease, type C1. Last evaluated: 2025-09-02. Review status: criteria provided, single submitter. Criteria: Myriad Autosomal Dominant, Autosomal Recessive and X-Linked Classification Criteria (2023). Collection method: clinical testing. Allele origin: unknown.
Comment: NM_000271.4(NPC1):c.2567T>C(V856A) is a missense variant classified as a variant of uncertain significance in the context of Niemann-Pick disease type C1. V856A has been observed in a case with relevant disease (PMID: 32745579). Relevant functional assessments of this variant are not available in the literature. V856A has been observed in referenced population frequency databases. In summary, there is insufficient evidence to classify NM_000271.4(NPC1):c.2567T>C(V856A) as pathogenic or benign. Please note: this variant was assessed in the context of healthy population screening.

Women's Health and Genetics/Laboratory Corporation of America, LabCorp
Classification: Uncertain significance. Last evaluated: 2025-05-16. Review status: criteria provided, single submitter. Criteria: LabCorp Variant Classification Summary - May 2015. Collection method: clinical testing. Allele origin: germline.
Comment: Variant summary: NPC1 c.2567T>C (p.Val856Ala) results in a non-conservative amino acid change in the encoded protein sequence. Algorithms developed to predict the effect of missense changes on protein structure and function all suggest that this variant is likely to be disruptive. The variant allele was found at a frequency of 4e-06 in 251198 control chromosomes. The available data on variant occurrences in the general population are insufficient to allow any conclusion about variant significance. c.2567T>C has been observed in a compound heterozygous individual affected with Niemann-Pick Disease Type C (Lpez de Frutos_2020). These data do not allow any conclusion about variant significance. To our knowledge, no experimental evidence demonstrating an impact on protein function has been reported. The following publication have been ascertained in the context of this evaluation (PMID: 28865947). ClinVar contains an entry for this variant (Variation ID: 2871143). Based on the evidence outlined above, the variant was classified as uncertain significance.

Labcorp Genetics (formerly Invitae), Labcorp
Classification: Likely pathogenic for Niemann-Pick disease, type C1. Last evaluated: 2023-05-20. Review status: criteria provided, single submitter. Criteria: Invitae Variant Classification Sherloc (09022015). Collection method: clinical testing. Allele origin: germline.
Comment: Advanced modeling of protein sequence and biophysical properties (such as structural, functional, and spatial information, amino acid conservation, physicochemical variation, residue mobility, and thermodynamic stability) performed at Invitae indicates that this missense variant is expected to disrupt NPC1 protein function. This sequence change replaces valine, which is neutral and non-polar, with alanine, which is neutral and non-polar, at codon 856 of the NPC1 protein (p.Val856Ala). This variant is present in population databases (no rsID available, gnomAD 0.0009%). This missense change has been observed in individual(s) with Niemann-Pick type C (PMID: 28865947). In summary, the currently available evidence indicates that the variant is pathogenic, but additional data are needed to prove that conclusively. Therefore, this variant has been classified as Likely Pathogenic.

Literature cited by the submitters: PubMed 32745579 (cited by Myriad Genetics, Inc.); PubMed 28865947 (cited by Women's Health and Genetics/Laboratory Corporation of America, LabCorp and Labcorp Genetics (formerly Invitae), Labcorp).

NM_000271.5(NPC1):c.2567T>C (p.Val856Ala)

Gene: NPC1 (NPC intracellular cholesterol transporter 1; minus strand). Cytogenetic location: 18q11.2.
Variant type: single nucleotide variant.
Coding change: c.2567T>C on transcript NM_000271.5 (MANE Select); coding-DNA position 2567, T replaced by C.
Protein change: p.Val856Ala; replaces valine 856 with alanine.
Molecular consequence: missense variant.
Genome position (GRCh38, 1-based): chr18:23,540,485, A>G on the plus strand (T>C on the coding strand, the complement: NPC1 is on the minus strand). VCF-style: chr18-23540485-A-G. GRCh37 (hg19) VCF-style: chr18-21120449-A-G.
Other names: short protein forms V856A.
Identifiers: ClinVar variation 2871143 (VCV002871143.5), dbSNP rs1241975606, ClinGen allele CA401793146.
Genomic context (GRCh38, chr18:23,540,485, plus strand): 5'-AAAAAAAAAGGAAGTCATCTTACATCTGGCATCGAAAGAGACTGATCCAATCCAATATCT[A>G]CTTTGTTCAGGACTGCGATGCTGAATGACAGAACACCCACAAATATTGCTATCTGGAACA-3'
Protein context (NP_000262.2, residues 846-866): LSFSIAVLNK[Val856Ala]DIGLDQSLSM